The following is an entry in ClinVar:

ClinVar aggregate classification (germline): Uncertain significance (1 of 4 stars; one submission).

Conditions:
BAP1-related tumor predisposition syndrome (TPDS1). Also called: Tumor susceptibility linked to germline BAP1 mutations; COMMON Syndrome; TUMOR PREDISPOSITION SYNDROME 1; BAP1 tumor predisposition syndrome. Identifiers: Orphanet 289539, MedGen C3280492, MONDO:0013692, OMIM 614327.

Submission:

Labcorp Genetics (formerly Invitae), Labcorp
Classification: Uncertain significance for BAP1-related tumor predisposition syndrome. Last evaluated: 2019-12-02. Review status: criteria provided, single submitter. Criteria: Invitae Variant Classification Sherloc (09022015). Collection method: clinical testing. Allele origin: germline.
Comment: This sequence change falls in intron 14 of the BAP1 gene. It does not directly change the encoded amino acid sequence of the BAP1 protein, but it affects a nucleotide within the consensus splice site of the intron. This variant is not present in population databases (ExAC no frequency). This variant has not been reported in the literature in individuals with BAP1-related conditions. Nucleotide substitutions within the consensus splice site are a relatively common cause of aberrant splicing (PMID: 17576681, 9536098). Algorithms developed to predict the effect of sequence changes on RNA splicing suggest that this variant is not likely to affect RNA splicing, but this prediction has not been confirmed by published transcriptional studies. In summary, the available evidence is currently insufficient to determine the role of this variant in disease. Therefore, it has been classified as a Variant of Uncertain Significance.

Literature cited by the submitters: PubMed 17576681; PubMed 9536098.

NM_004656.4(BAP1):c.1890+6C>G

Gene: BAP1 (BRCA1 associated deubiquitinase 1; minus strand). Cytogenetic location: 3p21.1.
Variant type: single nucleotide variant.
Coding change: c.1890+6C>G on transcript NM_004656.4 (MANE Select); 6 bases into the intron after coding-DNA position 1890, C replaced by G.
Molecular consequence: intron variant.
Genome position (GRCh38, 1-based): chr3:52,403,132, G>C on the plus strand (C>G on the coding strand, the complement: BAP1 is on the minus strand). VCF-style: chr3-52403132-G-C. GRCh37 (hg19) VCF-style: chr3-52437148-G-C.
Identifiers: ClinVar variation 861703 (VCV000861703.7), dbSNP rs759370336, ClinGen allele CA916081434.
Genomic context (GRCh38, chr3:52,403,132, plus strand): 5'-GGGCAGGAGGAGCTCAGGCCTTACCCTCTGCCAGGATTAAAGGAGAAAACCACAACGGAG[G>C]CTCACCTTGGGTGAGTATTTCTCCCCACTCAAGGGCTCGCCAGGCCTCACCATCCCCGTC-3'